The following is an entry in ClinVar:

NM_018344.6(SLC29A3):c.896G>A (p.Arg299His)

Gene: SLC29A3 (solute carrier family 29 member 3; plus strand). Cytogenetic location: 10q22.1.
Variant type: single nucleotide variant.
Coding change: c.896G>A on transcript NM_018344.6 (MANE Select); coding-DNA position 896, G replaced by A.
Protein change: p.Arg299His; replaces arginine 299 with histidine.
Molecular consequence: missense variant. On other transcripts: 3 prime UTR variant (1), non-coding transcript variant (2).
Genome position (GRCh38, 1-based): chr10:71,362,076, G>A. VCF-style: chr10-71362076-G-A. GRCh37 (hg19) VCF-style: chr10-73121833-G-A.
Other names: c.*125G>A (NM_001174098.2); c.662G>A, p.Arg221His (NM_001363518.2); short protein forms R221H, R299H.
Identifiers: ClinVar variation 1382317 (VCV001382317.3), dbSNP rs371038814, ClinGen allele CA5543082.
Genomic context (GRCh38, chr10:71,362,076, plus strand): 5'-ACTCCCTCAGTGCCCCTTCGGTGGCCTCCAGATTCATTGATTCCCACACACCCCCTCTCC[G>A]CCCCATCCTGAAGAAGACGGCCAGCCTGGGCTTCTGTGTCACCTACGTCTTCTTCATCAC-3'
Protein context (NP_060814.4, residues 289-309): RFIDSHTPPL[Arg299His]PILKKTASLG

ClinVar aggregate classification (germline): Uncertain significance (1 of 4 stars; one submission).

Conditions:
H syndrome. Also called: Pigmented hypertrichosis and insulin-dependent diabetes mellitus; HISTIOCYTOSIS AND LYMPHADENOPATHY WITH OR WITHOUT CUTANEOUS, CARDIAC, AND/OR ENDOCRINE FEATURES, JOINT CONTRACTURES, AND/OR DEAFNESS; HYPERPIGMENTATION, CUTANEOUS, WITH HYPERTRICHOSIS, HEPATOSPLENOMEGALY, HEART ANOMALIES, AND HYPOGONADISM WITH OR WITHOUT HEARING LOSS; PIGMENTED HYPERTRICHOSIS WITH INSULIN-DEPENDENT DIABETES MELLITUS; ROSAI-DORFMAN DISEASE, FAMILIAL; SINUS HISTIOCYTOSIS AND MASSIVE LYMPHADENOPATHY. Identifiers: Orphanet 168569, MedGen C1864445, MONDO:0011273, OMIM 602782.

Allele frequency attached by ClinVar (database versions not stated): TOPMed below 0.00001; gnomAD 0.00001; ESP Exome Variant Server 0.00008.

Submission:

Labcorp Genetics (formerly Invitae), Labcorp
Classification: Uncertain significance for H syndrome. Last evaluated: 2022-08-08. Review status: criteria provided, single submitter. Criteria: Invitae Variant Classification Sherloc (09022015). Collection method: clinical testing. Allele origin: germline.
Comment: This sequence change replaces arginine, which is basic and polar, with histidine, which is basic and polar, at codon 299 of the SLC29A3 protein (p.Arg299His). This variant is present in population databases (rs371038814, gnomAD 0.004%). This variant has not been reported in the literature in individuals affected with SLC29A3-related conditions. ClinVar contains an entry for this variant (Variation ID: 1382317). Algorithms developed to predict the effect of missense changes on protein structure and function (SIFT, PolyPhen-2, Align-GVGD) all suggest that this variant is likely to be tolerated. In summary, the available evidence is currently insufficient to determine the role of this variant in disease. Therefore, it has been classified as a Variant of Uncertain Significance.